The following is an entry in ClinVar:

NM_138691.3(TMC1):c.342G>A (p.Glu114=)

Gene: TMC1 (transmembrane channel like 1; plus strand). Cytogenetic location: 9q21.13.
Variant type: single nucleotide variant.
Coding change: c.342G>A on transcript NM_138691.3 (MANE Select); coding-DNA position 342, G replaced by A.
Protein change: p.Glu114=; no amino-acid change (glutamic acid 114 retained).
Molecular consequence: synonymous variant.
Genome position (GRCh38, 1-based): chr9:72,700,623, G>A. VCF-style: chr9-72700623-G-A. GRCh37 (hg19) VCF-style: chr9-75315539-G-A.
Identifiers: ClinVar variation 667176 (VCV000667176.8), dbSNP rs370554600, ClinGen allele CA193350364.
Genomic context (GRCh38, chr9:72,700,623, plus strand): 5'-AGAGTTAGATGAGAAAAGACAAATAATTGCTACTGTCAAATGCAAACCATGGAAGATGGA[G>A]AAGAAAATTGAAGTTCTCAAGTATGGTGCCACTTTTTATAAGTAGAAACACTTTCCCTGA-3'
Protein context (NP_619636.2, residues 104-124): ATVKCKPWKM[Glu114=]KKIEVLKEAK

ClinVar aggregate classification (germline): Likely benign. Review status: criteria provided, multiple submitters, no conflicts (2 of 4 stars). 2 submissions from 2 submitters: Likely benign (2). Last evaluated 2023-05-27.

Allele frequency attached by ClinVar (database versions not stated): gnomAD exomes below 0.00001; gnomAD 0.00002; TOPMed 0.00005; ESP Exome Variant Server 0.00008.
gnomAD v4.1: 6 of 1,602,952 alleles (0.00037%); highest among the groups gnomAD compares: African/African-American, 0.004%; no homozygotes.

Submissions (2):

Labcorp Genetics (formerly Invitae), Labcorp
Classification: Likely benign. Last evaluated: 2023-05-27. Review status: criteria provided, single submitter. Criteria: Invitae Variant Classification Sherloc (09022015). Collection method: clinical testing. Allele origin: germline.

Laboratory for Molecular Medicine, Mass General Brigham Personalized Medicine
Classification: Likely benign. Last evaluated: 2019-02-26. Review status: criteria provided, single submitter. Criteria: LMM Criteria. Collection method: clinical testing. Allele origin: germline. Observed: 1 variant allele.
Comment: The p.Glu114Glu variant in TMC1 is classified as likely benign because it does not alter an amino acid residue, it is not located within the splice consensus sequence, and computational splice prediction tools do not predict an impact on splicing. It has been identified in 0.003% (1/34458) of Latino chromosomes by gnomAD. ACMG/AMP Criteria applied: BP4, BP7.